The following is an entry in ClinVar:

NM_001365999.1(SZT2):c.1385C>T (p.Thr462Met)

Gene: SZT2 (SZT2 subunit of KICSTOR complex; plus strand). Cytogenetic location: 1p34.2.
Variant type: single nucleotide variant.
Coding change: c.1385C>T on transcript NM_001365999.1 (MANE Select); coding-DNA position 1385, C replaced by T.
Protein change: p.Thr462Met; replaces threonine 462 with methionine.
Molecular consequence: missense variant.
Genome position (GRCh38, 1-based): chr1:43,420,872, C>T. VCF-style: chr1-43420872-C-T. GRCh37 (hg19) VCF-style: chr1-43886543-C-T.
Other names: c.1385C>T, p.Thr462Met (NM_015284.4); short protein forms T462M.
Identifiers: ClinVar variation 588735 (VCV000588735.5), dbSNP rs748435936, ClinGen allele CA808406.

ClinVar aggregate classification (germline): Uncertain significance (1 of 4 stars; one submission).

Conditions:
Inborn genetic diseases. Identifiers: MedGen C0950123, MeSH D030342.

Allele frequency attached by ClinVar (database versions not stated): gnomAD exomes below 0.00001; ExAC 0.00001; gnomAD 0.00001.
gnomAD v4.1: 6 of 1,598,310 alleles (0.00038%); highest among the groups gnomAD compares: African/African-American, 0.0013%; no homozygotes.

Submission:

Ambry Genetics
Classification: Uncertain significance for Inborn genetic diseases. Last evaluated: 2017-01-24. Review status: criteria provided, single submitter. Criteria: Ambry Variant Classification Scheme 2023. Collection method: clinical testing. Allele origin: germline.
Comment: The p.T462M variant (also known as c.1385C>T), located in coding exon 10 of the SZT2 gene, results from a C to T substitution at nucleotide position 1385. The threonine at codon 462 is replaced by methionine, an amino acid with similar properties. This amino acid position is highly conserved in available vertebrate species. In addition, the in silico prediction for this alteration is inconclusive. Since supporting evidence is limited at this time, the clinical significance of this alteration remains unclear.